The following is an entry in ClinVar:

NM_058246.4(DNAJB6):c.298T>A (p.Phe100Ile)

Gene: DNAJB6 (DnaJ heat shock protein family (Hsp40) member B6; plus strand). Cytogenetic location: 7q36.3.
Variant type: single nucleotide variant.
Coding change: c.298T>A on transcript NM_058246.4 (MANE Select); coding-DNA position 298, T replaced by A.
Protein change: p.Phe100Ile; replaces phenylalanine 100 with isoleucine.
Molecular consequence: missense variant.
Genome position (GRCh38, 1-based): chr7:157,367,435, T>A. VCF-style: chr7-157367435-T-A. GRCh37 (hg19) VCF-style: chr7-157160129-T-A.
Other names: c.298T>A, p.Phe100Ile (NM_001363676.1, NM_005494.3); short protein forms F100I.
Identifiers: ClinVar variation 4854771 (VCV004854771.1).
Genomic context (GRCh38, chr7:157,367,435, plus strand): 5'-GGAAGTCATTTTGACAGTCCATTTGAATTTGGCTTCACATTCCGTAACCCAGATGATGTC[T>A]TCAGGGAATTTTTTGGTGGAAGGGACCCATTTTCATTTGACTTCTTTGGTAAGTTAATCA-3'
Protein context (NP_490647.1, residues 90-110): GFTFRNPDDV[Phe100Ile]REFFGGRDPF

ClinVar aggregate classification (germline): Likely pathogenic (1 of 4 stars; one submission).

Conditions:
Autosomal dominant limb-girdle muscular dystrophy type 1D (DNAJB6) (LGMDD1). Also called: MUSCULAR DYSTROPHY, LIMB-GIRDLE, TYPE 1D; MUSCULAR DYSTROPHY, AUTOSOMAL DOMINANT, WITH RIMMED VACUOLES; Autosomal dominant limb-girdle muscular dystrophy type 1D; Muscular dystrophy, limb-girdle, autosomal dominant 1. Identifiers: Orphanet 34516, MedGen C4721885, MONDO:0021018, OMIM 603511.

Submission:

3billion
Classification: Likely pathogenic for Autosomal dominant limb-girdle muscular dystrophy type 1D (DNAJB6). Last evaluated: 2025-12-16. Review status: criteria provided, single submitter. Criteria: ACMG Guidelines, 2015. Collection method: clinical testing. Allele origin: germline. Affected: yes.
Comment: The variant is not observed in the gnomAD v4.1.0 dataset. Predicted Consequence/Location: Missense variant. Missense changes are a common disease-causing mechanism. In silico tool predictions suggest damaging effect of the variant on gene or gene product [REVEL: 0.88 (>=0.6, sensitivity 0.68 and specificity 0.92); 3Cnet: 0.99 (> 0.75, sensitivity 0.96 and precision 0.92)]. The same nucleotide change resulting in the same amino acid change has been previously reported to be associated with DNAJB6-related disorder (PMID: 29869469). Different missense changes at the same codon (p.Phe100Leu, p.Phe100Val) have been reported to be associated with DNAJB6-related disorder (ClinVar ID: VCV000225174 /PMID: 26205529, 37188302). Therefore, this variant is classified as Likely pathogenic according to the recommendation of ACMG/AMP guideline.

Literature cited by the submitters: PubMed 26205529; PubMed 29869469.